The following is an entry in ClinVar:

NM_003482.4(KMT2D):c.10177C>T (p.Pro3393Ser)

Gene: KMT2D (lysine methyltransferase 2D; minus strand). Cytogenetic location: 12q13.12.
Variant type: single nucleotide variant.
Coding change: c.10177C>T on transcript NM_003482.4 (MANE Select); coding-DNA position 10177, C replaced by T.
Protein change: p.Pro3393Ser; replaces proline 3393 with serine.
Molecular consequence: missense variant.
Genome position (GRCh38, 1-based): chr12:49,037,179, G>A on the plus strand (C>T on the coding strand, the complement: KMT2D is on the minus strand). VCF-style: chr12-49037179-G-A. GRCh37 (hg19) VCF-style: chr12-49430962-G-A.
Other names: short protein forms P3393S.
Identifiers: ClinVar variation 3252245 (VCV003252245.3), dbSNP rs2120475218.

ClinVar aggregate classification (germline): Uncertain significance. Review status: criteria provided, multiple submitters, no conflicts (2 of 4 stars). 2 submissions from 2 submitters: Uncertain significance (2). Last evaluated 2025-01-23.

Conditions:
Kabuki syndrome. Also called: NIIKAWA-KUROKI SYNDROME; Kabuki make-up syndrome. Identifiers: Orphanet 2322, MedGen C0796004, MONDO:0016512.

Allele frequency attached by ClinVar (database versions not stated): gnomAD exomes below 0.00001.
gnomAD v4.1: 1 of 1,601,442 alleles (0.000062%); highest among the groups gnomAD compares: South Asian, 0.0011%; no homozygotes.

Submissions (2):

Labcorp Genetics (formerly Invitae), Labcorp
Classification: Uncertain significance for Kabuki syndrome. Last evaluated: 2025-01-23. Review status: criteria provided, single submitter. Criteria: Invitae Variant Classification Sherloc (09022015). Collection method: clinical testing. Allele origin: germline.
Comment: This sequence change replaces proline, which is neutral and non-polar, with serine, which is neutral and polar, at codon 3393 of the KMT2D protein (p.Pro3393Ser). This variant is not present in population databases (gnomAD no frequency). This variant has not been reported in the literature in individuals affected with KMT2D-related conditions. ClinVar contains an entry for this variant (Variation ID: 3252245). Invitae Evidence Modeling of protein sequence and biophysical properties (such as structural, functional, and spatial information, amino acid conservation, physicochemical variation, residue mobility, and thermodynamic stability) indicates that this missense variant is not expected to disrupt KMT2D protein function with a negative predictive value of 95%. In summary, the available evidence is currently insufficient to determine the role of this variant in disease. Therefore, it has been classified as a Variant of Uncertain Significance.

GeneDx
Classification: Uncertain significance. Last evaluated: 2023-09-07. Review status: criteria provided, single submitter. Criteria: GeneDx Variant Classification Process June 2021. Collection method: clinical testing. Allele origin: germline. Affected: yes.
Comment: Not observed at significant frequency in large population cohorts (gnomAD); In silico analysis supports that this missense variant does not alter protein structure/function; Has not been previously published as pathogenic or benign to our knowledge